The following is an entry in ClinVar:

NM_000069.3(CACNA1S):c.1989C>T (p.Asn663=)

Gene: CACNA1S (calcium voltage-gated channel subunit alpha1 S; minus strand). Cytogenetic location: 1q32.1.
Variant type: single nucleotide variant.
Coding change: c.1989C>T on transcript NM_000069.3 (MANE Select); coding-DNA position 1989, C replaced by T.
Protein change: p.Asn663=; no amino-acid change (asparagine 663 retained).
Molecular consequence: synonymous variant.
Genome position (GRCh38, 1-based): chr1:201,074,580, G>A on the plus strand (C>T on the coding strand, the complement: CACNA1S is on the minus strand). VCF-style: chr1-201074580-G-A. GRCh37 (hg19) VCF-style: chr1-201043708-G-A.
Identifiers: ClinVar variation 3386366 (VCV003386366.1).
Genomic context (GRCh38, chr1:201,074,580, plus strand): 5'-GCGTTTTTTCTCCTCAGCCTTGGCCTTCTGGGCAGAAGTCAGGCTCTCCGCCTCGGCCAG[G>A]TTGTCCACGGCAATGGCCAGGAAGACATTGAGCAGGATGTCTGAGCGGGTTTAGCTAAGG-3'
Protein context (NP_000060.2, residues 653-673): LNVFLAIAVD[Asn663=]LAEAESLTSA

ClinVar aggregate classification (germline): Likely benign (1 of 4 stars; one submission).

Conditions:
Malignant hyperthermia, susceptibility to, 5 (MHS5). Also called: CACNA1S-Related Malignant Hyperthermia Susceptibility. Identifiers: Orphanet 423, MedGen C1866077, MONDO:0011163, OMIM 601887.

gnomAD v4.1: 2 of 1,613,924 alleles (0.00012%); highest among the groups gnomAD compares: Non-Finnish European, 0.00017%; no homozygotes.

Submission:

All of Us Research Program, National Institutes of Health
Classification: Likely benign for Malignant hyperthermia, susceptibility to, 5. Last evaluated: 2024-04-25. Review status: criteria provided, single submitter. Criteria: ACMG Guidelines, 2015. Collection method: clinical testing. Allele origin: germline. Inheritance: Autosomal dominant inheritance. Observed: 1 variant allele, 1 heterozygote.
Comment: This study involves interpretation of variants in research participants for the purpose of population health screening. Participant phenotype was not available at the time of variant classification. Additional details can be found in publication PMID: 35346344, PMCID: PMC8962531